The following is an entry in ClinVar:

NM_006269.2(RP1):c.2200del (p.Ser734fs)

Gene: RP1 (RP1 axonemal microtubule associated; plus strand). Cytogenetic location: 8q12.1.
Variant type: Deletion.
Coding change: c.2200del on transcript NM_006269.2 (MANE Select); coding-DNA position 2200, one base deleted (A; older notation c.2200delA).
Protein change: p.Ser734fs; shifts the reading frame from serine 734.
Molecular consequence: frameshift variant. On other transcripts: intron variant (1).
Genome position (GRCh38, 1-based): chr8:54,626,082, A deleted; the last of 4 consecutive A bases (chr8:54,626,079-54,626,082); deleting any one gives the same sequence. VCF-style (leftmost placement, unchanged base first): chr8-54626078-GA-G. GRCh37 (hg19) VCF-style: chr8-55538638-GA-G.
Other names: c.787+3794del (NM_001375654.1); short protein forms S734fs.
Identifiers: ClinVar variation 866005 (VCV000866005.7), dbSNP rs1806036718, ClinGen allele CA916082989.

ClinVar aggregate classification (germline): Pathogenic. Review status: criteria provided, multiple submitters, no conflicts (2 of 4 stars). 2 submissions from 2 submitters: Pathogenic (2). Last evaluated 2025-10-25.

Conditions:
RP1-related disorder. Also called: RP1-related condition.

Submissions (2):

Labcorp Genetics (formerly Invitae), Labcorp
Classification: Pathogenic. Last evaluated: 2025-10-25. Review status: criteria provided, single submitter. Criteria: Invitae Variant Classification Sherloc (09022015). Collection method: clinical testing. Allele origin: germline.
Comment: This sequence change creates a premature translational stop signal (p.Ser734Valfs*4) in the RP1 gene. While this is not anticipated to result in nonsense mediated decay, it is expected to disrupt the last 1423 amino acid(s) of the RP1 protein. This variant is not present in population databases (gnomAD no frequency). This premature translational stop signal has been observed in individuals with autosomal dominant retinitis pigmentosa (PMID: 28076437). ClinVar contains an entry for this variant (Variation ID: 866005). This variant disrupts a region of the RP1 protein in which other variant(s) ( p.Ile2061Serfs*12) have been determined to be pathogenic (PMID: 29425069, 30027431; internal data). This suggests that this is a clinically significant region of the protein, and that variants that disrupt it are likely to be disease-causing. For these reasons, this variant has been classified as Pathogenic.

Blueprint Genetics
Classification: Pathogenic for RP1-related disorders. Last evaluated: 2019-08-15. Review status: criteria provided, single submitter. Criteria: ACMG Guidelines, 2015. Collection method: clinical testing. Allele origin: germline. Affected: yes. Observed: 2 variant alleles.

Literature cited by the submitters: PubMed 28076437 (cited by Labcorp Genetics (formerly Invitae), Labcorp); PubMed 29425069 (cited by Labcorp Genetics (formerly Invitae), Labcorp); PubMed 30027431 (cited by Labcorp Genetics (formerly Invitae), Labcorp).